The following is an entry in ClinVar:

NM_000038.6(APC):c.2666A>C (p.Lys889Thr)

Gene: APC (APC regulator of Wnt signaling pathway; plus strand). Cytogenetic location: 5q22.2.
Variant type: single nucleotide variant.
Coding change: c.2666A>C on transcript NM_000038.6 (MANE Select); coding-DNA position 2666, A replaced by C.
Protein change: p.Lys889Thr; replaces lysine 889 with threonine.
Molecular consequence: missense variant.
Genome position (GRCh38, 1-based): chr5:112,838,260, A>C. VCF-style: chr5-112838260-A-C. GRCh37 (hg19) VCF-style: chr5-112173957-A-C.
Other names: c.2666A>C, p.Lys889Thr (NM_001127510.3, NM_001354895.2); c.2612A>C, p.Lys871Thr (NM_001127511.3); c.2720A>C, p.Lys907Thr (NM_001354896.2); c.2696A>C, p.Lys899Thr (NM_001354897.2); c.2591A>C, p.Lys864Thr (NM_001354898.2); c.2582A>C, p.Lys861Thr (NM_001354899.2); c.2543A>C, p.Lys848Thr (NM_001354900.2); c.2489A>C, p.Lys830Thr (NM_001354901.2); and 5 more; short protein forms K606T, K864T, K889T, K907T, K729T, K798T, K830T, K871T.
Identifiers: ClinVar variation 1385294 (VCV001385294.8), dbSNP rs1350986347, ClinGen allele CA16027151.

ClinVar aggregate classification (germline): Uncertain significance. Review status: criteria provided, multiple submitters, no conflicts (2 of 4 stars). 2 submissions from 2 submitters: Uncertain significance (2). Last evaluated 2021-12-05.

Conditions:
Hereditary cancer-predisposing syndrome. Also called: Tumor predisposition; Neoplastic Syndromes, Hereditary; Hereditary Cancer Syndrome; Hereditary neoplastic syndrome. Identifiers: Orphanet 140162, MedGen C0027672, MeSH D009386, MONDO:0015356.
Familial adenomatous polyposis 1 (FAP1). Also called: POLYPOSIS, ADENOMATOUS INTESTINAL; FAMILIAL ADENOMATOUS POLYPOSIS 1, ATTENUATED. Identifiers: MedGen C2713442, MONDO:0021056, OMIM 175100. Disease mechanism: loss of function.

Allele frequency attached by ClinVar (database versions not stated): gnomAD exomes below 0.00001.
gnomAD v4.1: 2 of 1,614,220 alleles (0.00012%); highest among the groups gnomAD compares: South Asian, 0.0011%; no homozygotes.

Submissions (2):

Labcorp Genetics (formerly Invitae), Labcorp
Classification: Uncertain significance for Familial adenomatous polyposis 1. Last evaluated: 2021-12-05. Review status: criteria provided, single submitter. Criteria: Invitae Variant Classification Sherloc (09022015). Collection method: clinical testing. Allele origin: germline.
Comment: This sequence change replaces lysine, which is basic and polar, with threonine, which is neutral and polar, at codon 889 of the APC protein (p.Lys889Thr). This variant is present in population databases (no rsID available, gnomAD 0.003%). This variant has not been reported in the literature in individuals affected with APC-related conditions. Algorithms developed to predict the effect of missense changes on protein structure and function (SIFT, PolyPhen-2, Align-GVGD) all suggest that this variant is likely to be tolerated. In summary, the available evidence is currently insufficient to determine the role of this variant in disease. Therefore, it has been classified as a Variant of Uncertain Significance.

Ambry Genetics
Classification: Uncertain significance for Hereditary cancer-predisposing syndrome. Last evaluated: 2021-05-06. Review status: criteria provided, single submitter. Criteria: Ambry Variant Classification Scheme 2023. Collection method: clinical testing. Allele origin: germline.
Comment: The p.K889T variant (also known as c.2666A>C), located in coding exon 15 of the APC gene, results from an A to C substitution at nucleotide position 2666. The lysine at codon 889 is replaced by threonine, an amino acid with similar properties. This amino acid position is not well conserved in available vertebrate species. In addition, in silico predictors for this gene do not accurately predict pathogenicity. Since supporting evidence is limited at this time, the clinical significance of this alteration remains unclear.